The following is an entry in ClinVar:

ClinVar aggregate classification (germline): Benign/Likely benign. Review status: criteria provided, multiple submitters, no conflicts (2 of 4 stars). 6 submissions from 6 submitters: Benign (1); Likely benign (5). Last evaluated 2025-12-11.

Conditions:
Hypercholesterolemia, autosomal dominant, 3 (FHCL3). Also called: Familial Hypercholesterolemia, Autosomal Dominant, 3; PCSK9-Related Familial Hypercholesterolemia, Autosomal Dominant; Familial hypercholesterolemia 3. Identifiers: MedGen C1863551, MONDO:0011369, OMIM 603776.
Familial hypercholesterolemia. Also called: Familial hypercholesterolemias; Familial hypercholesterolaemia. Identifiers: MedGen C0020445, MONDO:0005439.
Cardiovascular phenotype. Identifiers: MedGen CN230736.

Allele frequency attached by ClinVar (database versions not stated): TOPMed 0.00005; 1000 Genomes Project 30x 0.00016; 1000 Genomes Project 0.00020.
gnomAD v4.1: 39 of 1,563,528 alleles (0.0025%); highest among the groups gnomAD compares: East Asian, 0.007%; no homozygotes.

Submissions (6):

Labcorp Genetics (formerly Invitae), Labcorp
Classification: Likely benign for Hypercholesterolemia, autosomal dominant, 3. Last evaluated: 2025-12-11. Review status: criteria provided, single submitter. Criteria: Invitae Variant Classification Sherloc (09022015). Collection method: clinical testing. Allele origin: germline.

Women's Health and Genetics/Laboratory Corporation of America, LabCorp
Classification: Benign. Last evaluated: 2024-12-06. Review status: criteria provided, single submitter. Criteria: LabCorp Variant Classification Summary - May 2015. Collection method: clinical testing. Allele origin: germline.

Blueprint Genetics
Classification: Likely benign. Last evaluated: 2024-11-21. Review status: criteria provided, single submitter. Criteria: ACMG Guidelines, 2015. Collection method: clinical testing. Allele origin: germline.

All of Us Research Program, National Institutes of Health
Classification: Likely benign for Hypercholesterolemia, autosomal dominant, 3. Last evaluated: 2023-10-02. Review status: criteria provided, single submitter. Criteria: ACMG Guidelines, 2015. Collection method: clinical testing. Allele origin: germline. Inheritance: Autosomal dominant inheritance. Observed: 8 variant alleles, 8 heterozygotes.
Comment: This study involves interpretation of variants in research participants for the purpose of population health screening. Participant phenotype was not available at the time of variant classification. Additional details can be found in publication PMID: 35346344, PMCID: PMC8962531

Color Diagnostics, LLC DBA Color Health
Classification: Likely benign for Familial hypercholesterolemia. Last evaluated: 2019-07-26. Review status: criteria provided, single submitter. Criteria: ACMG Guidelines, 2015. Collection method: clinical testing. Allele origin: germline.

Ambry Genetics
Classification: Likely benign for Cardiovascular phenotype. Last evaluated: 2019-07-02. Review status: criteria provided, single submitter. Criteria: Ambry Variant Classification Scheme 2023. Collection method: clinical testing. Allele origin: germline.

NM_174936.4(PCSK9):c.939C>T (p.Thr313=)

Gene: PCSK9 (proprotein convertase subtilisin/kexin type 9; plus strand). Cytogenetic location: 1p32.3.
Variant type: single nucleotide variant.
Coding change: c.939C>T on transcript NM_174936.4 (MANE Select); coding-DNA position 939, C replaced by T.
Protein change: p.Thr313=; no amino-acid change (threonine 313 retained).
Molecular consequence: synonymous variant. On other transcripts: non-coding transcript variant (8).
Genome position (GRCh38, 1-based): chr1:55,056,132, C>T. VCF-style: chr1-55056132-C-T. GRCh37 (hg19) VCF-style: chr1-55521805-C-T.
Other names: c.1062C>T, p.Thr354= (NM_001407240.1); c.939C>T, p.Thr313= (NM_001407241.1, NM_001407244.1, NM_001407247.1); c.942C>T, p.Thr314= (NM_001407242.1); c.882C>T, p.Thr294= (NM_001407243.1); c.747C>T, p.Thr249= (NM_001407245.1); c.564C>T, p.Thr188= (NM_001407246.1).
Identifiers: ClinVar variation 927822 (VCV000927822.17), dbSNP rs534113572, ClinGen allele CA045124.